The following is an entry in ClinVar:

ClinVar aggregate classification (germline): Benign/Likely benign. Review status: criteria provided, multiple submitters, no conflicts (2 of 4 stars). 8 submissions from 8 submitters: Benign (5); Likely benign (1). 2 of the submissions do not count toward it. Last evaluated 2026-02-04.

Conditions:
Asphyxiating thoracic dystrophy 3. Also called: SHORT-RIB THORACIC DYSPLASIA 3 WITH OR WITHOUT POLYDACTYLY; POLYDACTYLY WITH NEONATAL CHONDRODYSTROPHY, TYPE I; SHORT-RIB THORACIC DYSPLASIA 3/6 WITH POLYDACTYLY, DIGENIC; Short rib polydactyly syndrome 2B; Saldino-Noonan Syndrome. Identifiers: Orphanet 474, Orphanet 93269, Orphanet 93270, Orphanet 93271, MedGen C0036069, MONDO:0013127, OMIM 613091.
Jeune thoracic dystrophy. Also called: Short-rib thoracic dysplasia; Jeune syndrome; Infantile thoracic dystrophy; Thoracic pelvic phalangeal dystrophy; Jeune's syndrome; Chondroectodermal dysplasia-like syndrome. Identifiers: Orphanet 474, MedGen C0265275, MONDO:0018770.

Allele frequency attached by ClinVar (database versions not stated): 1000 Genomes Project 0.04113; 1000 Genomes Project 30x 0.04169; TOPMed 0.06341; gnomAD 0.06471 and 0.06536; ESP Exome Variant Server 0.07186; gnomAD exomes 0.07360 and 0.08936; ExAC 0.07612.
gnomAD v4.1: 140,351 of 1,613,576 alleles (8.7%); highest among the groups gnomAD compares: Middle Eastern, 13%; 7,044 homozygotes.

Submissions (8):

Labcorp Genetics (formerly Invitae), Labcorp
Classification: Benign for Jeune thoracic dystrophy. Last evaluated: 2026-02-04. Review status: criteria provided, single submitter. Criteria: Invitae Variant Classification Sherloc (09022015). Collection method: clinical testing. Allele origin: germline.

Mayo Clinic Laboratories, Mayo Clinic
Classification: Benign. Last evaluated: 2022-03-09. Review status: criteria provided, single submitter. Criteria: ACMG Guidelines, 2015. Collection method: clinical testing. Allele origin: germline. Observed: 18 variant alleles.

Illumina Laboratory Services, Illumina
Classification: Benign for Asphyxiating thoracic dystrophy 3. Last evaluated: 2018-01-13. Review status: criteria provided, single submitter. Criteria: ICSL Variant Classification Criteria 13 December 2019. Collection method: clinical testing. Allele origin: germline.
Comment: This variant was observed in the ICSL laboratory as part of a predisposition screen in an ostensibly healthy population. It had not been previously curated by ICSL or reported in the Human Gene Mutation Database (HGMD: prior to June 1st, 2018), and was therefore a candidate for classification through an automated scoring system. Utilizing variant allele frequency, disease prevalence and penetrance estimates, and inheritance mode, an automated score was calculated to assess if this variant is too frequent to cause the disease. Based on the score and internal cut-off values, a variant classified as benign is not then subjected to further curation. The score for this variant resulted in a classification of benign for this disease.

GeneDx
Classification: Benign. Last evaluated: 2016-05-09. Review status: criteria provided, single submitter. Criteria: GeneDx Variant Classification (06012015). Collection method: clinical testing. Allele origin: germline. Affected: yes.
Comment: This variant is considered likely benign or benign based on one or more of the following criteria: it is a conservative change, it occurs at a poorly conserved position in the protein, it is predicted to be benign by multiple in silico algorithms, and/or has population frequency not consistent with disease.

Laboratory for Molecular Medicine, Mass General Brigham Personalized Medicine
Classification: Benign. Last evaluated: 2016-03-28. Review status: criteria provided, single submitter. Criteria: LMM Criteria. Collection method: clinical testing. Allele origin: germline.
Comment: Variant identified in a genome or exome case(s) and assessed due to predicted null impact of the variant or pathogenic assertions in the literature or databases. Disclaimer: This variant has not undergone full assessment. The following are preliminary notes: Frequency

Breakthrough Genomics
Classification: Likely benign. Review status: criteria provided, single submitter. Criteria: ACMG Guidelines, 2015. Collection method: not provided. Allele origin: germline. Inheritance: Autosomal recessive inheritance. Affected: yes.

Clinical Genetics DNA and cytogenetics Diagnostics Lab, Erasmus MC, Erasmus Medical Center
Classification: Benign. Review status: no assertion criteria provided. Collection method: clinical testing. Allele origin: germline. Affected: yes. Study: VKGL Data-share Consensus. Not counted in ClinVar's aggregate classification.

Joint Genome Diagnostic Labs from Nijmegen and Maastricht, Radboudumc and MUMC+
Classification: Benign. Review status: no assertion criteria provided. Collection method: clinical testing. Allele origin: germline. Affected: yes. Study: VKGL Data-share Consensus. Not counted in ClinVar's aggregate classification.

NM_001377.3(DYNC2H1):c.21C>T (p.Asp7=)

Gene: DYNC2H1 (dynein cytoplasmic 2 heavy chain 1; plus strand). Cytogenetic location: 11q22.3.
Variant type: single nucleotide variant.
Coding change: c.21C>T on transcript NM_001377.3 (MANE Select); coding-DNA position 21, C replaced by T.
Protein change: p.Asp7=; no amino-acid change (aspartic acid 7 retained).
Molecular consequence: synonymous variant.
Genome position (GRCh38, 1-based): chr11:103,109,595, C>T. VCF-style: chr11-103109595-C-T. GRCh37 (hg19) VCF-style: chr11-102980324-C-T.
Other names: p.Asp7=; c.21C>T, p.Asp7= (NM_001080463.2).
Identifiers: ClinVar variation 301995 (VCV000301995.24), dbSNP rs17301028, ClinGen allele CA6252374.